The following is an entry in ClinVar:

NM_000297.4(PKD2):c.2241-2A>G

Gene: PKD2 (polycystin 2, transient receptor potential cation channel; plus strand). Cytogenetic location: 4q22.1.
Variant type: single nucleotide variant.
Coding change: c.2241-2A>G on transcript NM_000297.4 (MANE Select); the canonical splice acceptor site of the intron before coding-DNA position 2241, A replaced by G.
Molecular consequence: splice acceptor variant.
Genome position (GRCh38, 1-based): chr4:88,065,760, A>G. VCF-style: chr4-88065760-A-G. GRCh37 (hg19) VCF-style: chr4-88986912-A-G.
Identifiers: ClinVar variation 562263 (VCV000562263.6), dbSNP rs1560626499, ClinGen allele CA357624820.
Genomic context (GRCh38, chr4:88,065,760, plus strand): 5'-TGTGTTGAGGGTGAACTGGGTACAAGGAATGATTTTTATCTGTATCCTCTCTCTAATTTC[A>G]GGAAGGGCCATACTGATGCAGAGATTGAGGCAATATTCACAAAGTACGACCAAGATGGAG-3'

ClinVar aggregate classification (germline): Pathogenic/Likely pathogenic. Review status: criteria provided, multiple submitters, no conflicts (2 of 4 stars). 5 submissions from 5 submitters: Pathogenic (3); Likely pathogenic (1). 1 of the submissions does not count toward it. Last evaluated 2025-04-24.

Conditions:
Polycystic kidney disease 2 (PKD2). Also called: POLYCYSTIC KIDNEY DISEASE 2 WITH OR WITHOUT POLYCYSTIC LIVER DISEASE; Polycystic Kidney Disease 2, Autosomal Dominant; POLYCYSTIC KIDNEY DISEASE, ADULT, TYPE II. Identifiers: MedGen C2751306, MONDO:0013131, OMIM 613095.
PKD2-related disorder. Also called: PKD2-related condition.

Submissions (5):

Department of Clinical Genetics, Copenhagen University Hospital, Rigshospitalet
Classification: Pathogenic for Polycystic kidney disease 2. Last evaluated: 2025-04-24. Review status: criteria provided, single submitter. Criteria: ACMG Guidelines, 2015. Collection method: clinical testing. Allele origin: germline.
Comment: PVS1_VSt, PS4_M, PM2_Sup,

PreventionGenetics, part of Exact Sciences
Classification: Pathogenic for PKD2-related condition. Last evaluated: 2024-11-04. Review status: criteria provided, single submitter. Criteria: ACMG Guidelines, 2015. Collection method: clinical testing. Allele origin: germline.
Comment: The PKD2 c.2241-2A>G variant is predicted to disrupt the AG splice acceptor site and interfere with normal splicing. This variant was reported in individuals with autosomal dominant polycystic kidney disease (ADPKD) (see for example, Veldhuisen et al. 1997. PubMed ID: 9326320; Nielsen et al. 2021. PubMed ID: 33639313). This variant has not been reported in a large population database (gnomAD), indicating this variant is rare. Variants that disrupt the consensus splice acceptor site in PKD2 are expected to be pathogenic. This variant is interpreted as pathogenic.

Blueprint Genetics
Classification: Pathogenic for PKD2-related disorders. Last evaluated: 2024-08-13. Review status: criteria provided, single submitter. Criteria: ACMG Guidelines, 2015. Collection method: clinical testing. Allele origin: germline. Affected: yes. Observed: 5 variant alleles.

Fulgent Genetics
Classification: Likely pathogenic for Polycystic kidney disease 2. Last evaluated: 2021-12-31. Review status: criteria provided, single submitter. Criteria: ACMG Guidelines, 2015. Collection method: clinical testing. Allele origin: unknown.

Gharavi Laboratory, Columbia University
Classification: Pathogenic. Last evaluated: 2018-09-16. Review status: no assertion criteria provided. Criteria: ACMG Guidelines, 2015. Collection method: research. Allele origin: germline. Affected: yes. Not counted in ClinVar's aggregate classification.